The following is an entry in ClinVar:

ClinVar aggregate classification (germline): Uncertain significance (1 of 4 stars; one submission).

Submission:

Labcorp Genetics (formerly Invitae), Labcorp
Classification: Uncertain significance. Last evaluated: 2022-06-08. Review status: criteria provided, single submitter. Criteria: Invitae Variant Classification Sherloc (09022015). Collection method: clinical testing. Allele origin: germline.
Comment: In summary, the available evidence is currently insufficient to determine the role of this variant in disease. Therefore, it has been classified as a Variant of Uncertain Significance. Experimental studies and prediction algorithms are not available or were not evaluated, and the effect of this variant on mRNA splicing is currently unknown. This variant has not been reported in the literature in individuals affected with PRPF6-related conditions. This variant is not present in population databases (gnomAD no frequency). This sequence change falls in intron 8 of the PRPF6 gene. It does not directly change the encoded amino acid sequence of the PRPF6 protein.

NM_012469.4(PRPF6):c.1024-3_1024-2del

Gene: PRPF6 (pre-mRNA processing factor 6; plus strand). Cytogenetic location: 20q13.33.
Variant type: Microsatellite.
Coding change: c.1024-3_1024-2del on transcript NM_012469.4 (MANE Select); 3 bases into the intron before coding-DNA position 1024 through the canonical splice acceptor site of the intron before coding-DNA position 1024, 2 bases deleted (CA; older notation c.1024-3_1024-2delCA).
Molecular consequence: splice acceptor variant.
Genome position (GRCh38, 1-based): chr20:64,001,074-64,001,075, CA deleted; deleting any 2 consecutive bases within chr20:64,001,072-64,001,075 gives the same sequence; the c. name uses the placement nearest the transcript's 3' end. VCF-style (leftmost placement, unchanged base first): chr20-64001071-TCA-T. GRCh37 (hg19) VCF-style: chr20-62632424-TCA-T.
Identifiers: ClinVar variation 2003383 (VCV002003383.4), dbSNP rs2517625116, ClinGen allele CA2580616366.